The following is an entry in ClinVar:

ClinVar aggregate classification (germline): Uncertain significance (1 of 4 stars; one submission).

Conditions:
Congenital disorder of glycosylation type 1E (CDG1E). Also called: CDG Ie; CONGENITAL DISORDER OF GLYCOSYLATION, TYPE Ie. Identifiers: Orphanet 79322, MedGen C1837396, MONDO:0012123, OMIM 608799.

Submission:

Labcorp Genetics (formerly Invitae), Labcorp
Classification: Uncertain significance for Congenital disorder of glycosylation type 1E. Last evaluated: 2022-03-04. Review status: criteria provided, single submitter. Criteria: Invitae Variant Classification Sherloc (09022015). Collection method: clinical testing. Allele origin: germline.
Comment: In summary, the available evidence is currently insufficient to determine the role of this variant in disease. Therefore, it has been classified as a Variant of Uncertain Significance. Algorithms developed to predict the effect of missense changes on protein structure and function (SIFT, PolyPhen-2, Align-GVGD) all suggest that this variant is likely to be tolerated. This variant has not been reported in the literature in individuals affected with DPM1-related conditions. This variant is not present in population databases (gnomAD no frequency). This sequence change replaces glutamine, which is neutral and polar, with glutamic acid, which is acidic and polar, at codon 24 of the DPM1 protein (p.Gln24Glu).

NM_003859.3(DPM1):c.70C>G (p.Gln24Glu)

Genes: DPM1 (dolichyl-phosphate mannosyltransferase subunit 1, catalytic; minus strand), LOC130066166 (ATAC-STARR-seq lymphoblastoid active region 18108; plus strand). Cytogenetic location: 20q13.13.
Variant type: single nucleotide variant.
Coding change: c.70C>G on transcript NM_003859.3 (MANE Select); coding-DNA position 70, C replaced by G.
Protein change: p.Gln24Glu; replaces glutamine 24 with glutamic acid.
Molecular consequence: missense variant. On other transcripts: non-coding transcript variant (1).
Genome position (GRCh38, 1-based): chr20:50,958,454, G>C on the plus strand (C>G on the coding strand, the complement: DPM1 is on the minus strand). VCF-style: chr20-50958454-G-C. GRCh37 (hg19) VCF-style: chr20-49574991-G-C.
Other names: c.70C>G, p.Gln24Glu (NM_001317034.1, NM_001317035.1, NM_001317036.1); short protein forms Q24E.
Identifiers: ClinVar variation 2168264 (VCV002168264.4), dbSNP rs1171951332, ClinGen allele CA408981001.
Genomic context (GRCh38, chr20:50,958,454, plus strand): 5'-CGATGAGCGGCAGGTTCTCGCGCTCGTTGTAGGTAGGTAAAAGCACCGAATATTTGTTCT[G>C]TCGTGGACTGCGCACTTCCAGCTCCCGCCGAGACCTGCGAGGACTACGACTGACTTCCAA-3'
Protein context (NP_003850.1, residues 14-34): RRELEVRSPR[Gln24Glu]NKYSVLLPTY